The following is an entry in ClinVar:

NM_001384732.1(CPLANE1):c.8734A>G (p.Lys2912Glu)

Gene: CPLANE1 (ciliogenesis and planar polarity effector complex subunit 1; minus strand). Cytogenetic location: 5p13.2.
Variant type: single nucleotide variant.
Coding change: c.8734A>G on transcript NM_001384732.1 (MANE Select); coding-DNA position 8734, A replaced by G.
Protein change: p.Lys2912Glu; replaces lysine 2912 with glutamic acid.
Molecular consequence: missense variant.
Genome position (GRCh38, 1-based): chr5:37,138,778, T>C on the plus strand (A>G on the coding strand, the complement: CPLANE1 is on the minus strand). VCF-style: chr5-37138778-T-C. GRCh37 (hg19) VCF-style: chr5-37138880-T-C.
Other names: c.8572A>G, p.Lys2858Glu (NM_023073.4); short protein forms K2858E, K2912E.
Identifiers: ClinVar variation 1487091 (VCV001487091.6), dbSNP rs1356697325, ClinGen allele CA359505382.

ClinVar aggregate classification (germline): Uncertain significance (1 of 4 stars; one submission).

Submission:

Labcorp Genetics (formerly Invitae), Labcorp
Classification: Uncertain significance. Last evaluated: 2025-09-08. Review status: criteria provided, single submitter. Criteria: Invitae Variant Classification Sherloc (09022015). Collection method: clinical testing. Allele origin: germline.
Comment: This sequence change replaces lysine, which is basic and polar, with glutamic acid, which is acidic and polar, at codon 2858 of the CPLANE1 protein (p.Lys2858Glu). This variant is present in population databases (no rsID available, gnomAD 0.0009%). This variant has not been reported in the literature in individuals affected with CPLANE1-related conditions. ClinVar contains an entry for this variant (Variation ID: 1487091). Invitae Evidence Modeling of protein sequence and biophysical properties (such as structural, functional, and spatial information, amino acid conservation, physicochemical variation, residue mobility, and thermodynamic stability) indicates that this missense variant is not expected to disrupt CPLANE1 protein function with a negative predictive value of 95%. In summary, the available evidence is currently insufficient to determine the role of this variant in disease. Therefore, it has been classified as a Variant of Uncertain Significance.